The following is an entry in ClinVar:

NM_001145715.3(KPNA7):c.284+1G>A

Gene: KPNA7 (karyopherin subunit alpha 7; minus strand). Cytogenetic location: 7q22.1.
Variant type: single nucleotide variant.
Coding change: c.284+1G>A on transcript NM_001145715.3 (MANE Select); the canonical splice donor site of the intron after coding-DNA position 284, G replaced by A.
Molecular consequence: splice donor variant.
Genome position (GRCh38, 1-based): chr7:99,196,083, C>T on the plus strand (G>A on the coding strand, the complement: KPNA7 is on the minus strand). VCF-style: chr7-99196083-C-T. GRCh37 (hg19) VCF-style: chr7-98793706-C-T.
Identifiers: ClinVar variation 2004508 (VCV002004508.4), dbSNP rs1307788352, ClinGen allele CA368420899.

ClinVar aggregate classification (germline): Uncertain significance (1 of 4 stars; one submission).

Submission:

Labcorp Genetics (formerly Invitae), Labcorp
Classification: Uncertain significance. Last evaluated: 2024-09-06. Review status: criteria provided, single submitter. Criteria: Invitae Variant Classification Sherloc (09022015). Collection method: clinical testing. Allele origin: germline.
Comment: This sequence change affects a donor splice site in intron 3 of the KPNA7 gene. It is expected to disrupt RNA splicing. Variants that disrupt the donor or acceptor splice site typically lead to a loss of protein function (PMID: 16199547), however the current clinical and genetic evidence is not sufficient to establish whether loss-of-function variants in KPNA7 cause disease. This variant is not present in population databases (gnomAD no frequency). This variant has not been reported in the literature in individuals affected with KPNA7-related conditions. ClinVar contains an entry for this variant (Variation ID: 2004508). Algorithms developed to predict the effect of sequence changes on RNA splicing suggest that this variant may disrupt the consensus splice site. In summary, the available evidence is currently insufficient to determine the role of this variant in disease. Therefore, it has been classified as a Variant of Uncertain Significance.

Literature cited by the submitters: PubMed 16199547.